The following is an entry in ClinVar:

ClinVar aggregate classification (germline): Uncertain significance (1 of 4 stars; one submission).

Submission:

Labcorp Genetics (formerly Invitae), Labcorp
Classification: Uncertain significance. Last evaluated: 2022-08-22. Review status: criteria provided, single submitter. Criteria: Invitae Variant Classification Sherloc (09022015). Collection method: clinical testing. Allele origin: germline.
Comment: Algorithms developed to predict the effect of missense changes on protein structure and function are either unavailable or do not agree on the potential impact of this missense change (SIFT: "Deleterious"; PolyPhen-2: "Probably Damaging"; Align-GVGD: "Class C0"). In summary, the available evidence is currently insufficient to determine the role of this variant in disease. Therefore, it has been classified as a Variant of Uncertain Significance. This variant has not been reported in the literature in individuals affected with PCDH15-related conditions. This variant is not present in population databases (gnomAD no frequency). This sequence change replaces cysteine, which is neutral and slightly polar, with tyrosine, which is neutral and polar, at codon 1388 of the PCDH15 protein (p.Cys1388Tyr).

NM_001384140.1(PCDH15):c.4163G>A (p.Cys1388Tyr)

Gene: PCDH15 (protocadherin related 15; minus strand). Cytogenetic location: 10q21.1.
Variant type: single nucleotide variant.
Coding change: c.4163G>A on transcript NM_001384140.1 (MANE Select); coding-DNA position 4163, G replaced by A.
Protein change: p.Cys1388Tyr; replaces cysteine 1388 with tyrosine.
Molecular consequence: missense variant.
Genome position (GRCh38, 1-based): chr10:53,831,354, C>T on the plus strand (G>A on the coding strand, the complement: PCDH15 is on the minus strand). VCF-style: chr10-53831354-C-T. GRCh37 (hg19) VCF-style: chr10-55591114-C-T.
Other names: c.4178G>A, p.Cys1393Tyr (NM_001142763.2, NM_001142771.2); c.4163G>A, p.Cys1388Tyr (NM_001142764.2, NM_001142766.2, NM_001142770.3 and 4 more transcripts); c.3950G>A, p.Cys1317Tyr (NM_001142765.2); c.4052G>A, p.Cys1351Tyr (NM_001142767.2); c.4097G>A, p.Cys1366Tyr (NM_001142768.2, NM_001142773.2, NM_001354404.2); c.4199G>A, p.Cys1400Tyr (NM_001142769.4); c.4184G>A, p.Cys1395Tyr (NM_001354411.2); short protein forms C1317Y, C1395Y, C1351Y, C1400Y, C1366Y, C1388Y, C1393Y.
Identifiers: ClinVar variation 2109392 (VCV002109392.4), dbSNP rs2492654175, ClinGen allele CA376528251.